The following is an entry in ClinVar:

NM_032444.4(SLX4):c.951-1G>T

Gene: SLX4 (SLX4 structure-specific endonuclease subunit; minus strand). Cytogenetic location: 16p13.3.
Variant type: single nucleotide variant.
Coding change: c.951-1G>T on transcript NM_032444.4 (MANE Select); the canonical splice acceptor site of the intron before coding-DNA position 951, G replaced by T.
Molecular consequence: splice acceptor variant.
Genome position (GRCh38, 1-based): chr16:3,601,192, C>A on the plus strand (G>T on the coding strand, the complement: SLX4 is on the minus strand). VCF-style: chr16-3601192-C-A. GRCh37 (hg19) VCF-style: chr16-3651193-C-A.
Identifiers: ClinVar variation 1325101 (VCV001325101.8), dbSNP rs750371433, ClinGen allele CA394532130.

ClinVar aggregate classification (germline): Likely pathogenic. Review status: criteria provided, multiple submitters, no conflicts (2 of 4 stars). 2 submissions from 2 submitters: Likely pathogenic (2). Last evaluated 2019-11-26.

Conditions:
Fanconi anemia complementation group P. Also called: SLX4-Related Fanconi Anemia. Identifiers: Orphanet 84, MedGen C3469542, MONDO:0013499, OMIM 613951.

Submissions (2):

Revvity Omics, Revvity
Classification: Likely pathogenic for Fanconi anemia complementation group P. Last evaluated: 2019-11-26. Review status: criteria provided, single submitter. Criteria: ACMG Guidelines, 2015. Collection method: clinical testing. Allele origin: germline.

Genetic Services Laboratory, University of Chicago
Classification: Likely pathogenic. Last evaluated: 2019-07-14. Review status: criteria provided, single submitter. Criteria: ACMG Guidelines, 2015. Collection method: clinical testing. Allele origin: germline. Affected: yes.
Comment: DNA sequence analysis of the SLX4 gene demonstrated a c.951-1G>T in the canonical splice acceptor site of intron 4. This likely pathogenic sequence change does not appear to have been previously described in patients with SLX4-related disorders and is absent from population databases such as ExAC and gnomAD. This likely pathogenic sequence change is predicted to affect normal splicing of the SLX4 gene and result in an abnormal protein. Truncating and splicing abnormalities in the SLX4 gene have been described in patients with Fanconi anemia.